The following is an entry in ClinVar:

ClinVar aggregate classification (germline): Uncertain significance (1 of 4 stars; one submission).

Allele frequency attached by ClinVar (database versions not stated): gnomAD exomes below 0.00001 and 0.00002; ExAC 0.00002; TOPMed 0.00003; gnomAD 0.00005; ESP Exome Variant Server 0.00008.
gnomAD v4.1: 28 of 1,613,560 alleles (0.0017%); highest among the groups gnomAD compares: African/African-American, 0.0093%; no homozygotes.

Submission:

Labcorp Genetics (formerly Invitae), Labcorp
Classification: Uncertain significance. Last evaluated: 2025-10-22. Review status: criteria provided, single submitter. Criteria: Invitae Variant Classification Sherloc (09022015). Collection method: clinical testing. Allele origin: germline.
Comment: This sequence change falls in intron 6 of the NDUFAF7 gene. It does not directly change the encoded amino acid sequence of the NDUFAF7 protein. It affects a nucleotide within the consensus splice site. This variant is present in population databases (rs372755679, gnomAD 0.02%). This variant has not been reported in the literature in individuals affected with NDUFAF7-related conditions. ClinVar contains an entry for this variant (Variation ID: 1365504). Variants that disrupt the consensus splice site are a relatively common cause of aberrant splicing (PMID: 17576681, 9536098). Algorithms developed to predict the effect of sequence changes on RNA splicing suggest that this variant may disrupt the consensus splice site. In summary, the available evidence is currently insufficient to determine the role of this variant in disease. Therefore, it has been classified as a Variant of Uncertain Significance.

Literature cited by the submitters: PubMed 17576681; PubMed 9536098.

NM_144736.5(NDUFAF7):c.936+3A>G

Gene: NDUFAF7 (NADH:ubiquinone oxidoreductase complex assembly factor 7; plus strand). Cytogenetic location: 2p22.2.
Variant type: single nucleotide variant.
Coding change: c.936+3A>G on transcript NM_144736.5 (MANE Select); 3 bases into the intron after coding-DNA position 936, A replaced by G.
Molecular consequence: intron variant.
Genome position (GRCh38, 1-based): chr2:37,246,198, A>G. VCF-style: chr2-37246198-A-G. GRCh37 (hg19) VCF-style: chr2-37473341-A-G.
Other names: c.936+3A>G (NM_001350024.2); c.723+3A>G (NM_001350027.2); c.855+3A>G (NM_001350025.2); c.642+3A>G (NM_001083946.2).
Identifiers: ClinVar variation 1365504 (VCV001365504.6), dbSNP rs372755679, ClinGen allele CA1617327.